The following is an entry in ClinVar:

NM_000938.3(POLR2B):c.1592A>T (p.Tyr531Phe)

Gene: POLR2B (RNA polymerase II subunit B; plus strand). Cytogenetic location: 4q12.
Variant type: single nucleotide variant.
Coding change: c.1592A>T on transcript NM_000938.3 (MANE Select); coding-DNA position 1592, A replaced by T.
Protein change: p.Tyr531Phe; replaces tyrosine 531 with phenylalanine.
Molecular consequence: missense variant.
Genome position (GRCh38, 1-based): chr4:57,010,791, A>T. VCF-style: chr4-57010791-A-T. GRCh37 (hg19) VCF-style: chr4-57876957-A-T.
Other names: c.1367A>T, p.Tyr456Phe (NM_001303268.2); c.1571A>T, p.Tyr524Phe (NM_001303269.2); short protein forms Y456F, Y524F, Y531F.
Identifiers: ClinVar variation 3235768 (VCV003235768.1), dbSNP rs2475996057, ClinGen allele CA357018963.
Genomic context (GRCh38, chr4:57,010,791, plus strand): 5'-CTTGGTTTATTTTTTAGGGCCATGCTGTAGGACTTGTGAAGAATTTAGCCTTGATGGCGT[A>T]TATTTCAGTTGGATCTCAACCATCTCCAATTCTGGAATTTTTAGAAGAATGGAGTATGGA-3'
Protein context (NP_000929.1, residues 521-541): GLVKNLALMA[Tyr531Phe]ISVGSQPSPI

ClinVar aggregate classification (germline): Uncertain significance (1 of 4 stars; one submission).

Submission:

Greenwood Genetic Center Diagnostic Laboratories, Greenwood Genetic Center
Classification: Uncertain significance. Last evaluated: 2024-01-08. Review status: criteria provided, single submitter. Criteria: ACMG Guidelines, 2015. Collection method: clinical testing. Allele origin: germline. Affected: yes.
Comment: Gene of Uncertain Significance